The following is an entry in ClinVar:

NM_006493.4(CLN5):c.683C>T (p.Ser228Phe)

Gene: CLN5 (CLN5 intracellular trafficking protein; plus strand). Cytogenetic location: 13q22.3.
Variant type: single nucleotide variant.
Coding change: c.683C>T on transcript NM_006493.4 (MANE Select); coding-DNA position 683, C replaced by T.
Protein change: p.Ser228Phe; replaces serine 228 with phenylalanine.
Molecular consequence: missense variant. On other transcripts: 3 prime UTR variant (1).
Genome position (GRCh38, 1-based): chr13:77,000,575, C>T. VCF-style: chr13-77000575-C-T. GRCh37 (hg19) VCF-style: chr13-77574710-C-T.
Other names: c.*132C>T (NM_001366624.2); short protein forms S228F.
Identifiers: ClinVar variation 1315320 (VCV001315320.2), dbSNP rs753041170, ClinGen allele CA7007243.

ClinVar aggregate classification (germline): Uncertain significance (1 of 4 stars; one submission).

Allele frequency attached by ClinVar (database versions not stated): gnomAD exomes below 0.00001; ExAC 0.00001.

Submission:

GeneDx
Classification: Uncertain significance. Last evaluated: 2020-02-10. Review status: criteria provided, single submitter. Criteria: GeneDx Variant Classification Process June 2021. Collection method: clinical testing. Allele origin: germline. Affected: yes.
Comment: Not observed at a significant frequency in large population cohorts (Lek et al., 2016); In silico analysis supports that this missense variant has a deleterious effect on protein structure/function; Has not been previously published as pathogenic or benign to our knowledge